The following is an entry in ClinVar:

NM_024596.5(MCPH1):c.74C>G (p.Ser25Ter)

Gene: MCPH1 (microcephalin 1; plus strand). Cytogenetic location: 8p23.1.
Variant type: single nucleotide variant.
Coding change: c.74C>G on transcript NM_024596.5 (MANE Select); coding-DNA position 74, C replaced by G.
Protein change: p.Ser25Ter; replaces serine 25 with a stop codon.
Molecular consequence: nonsense. On other transcripts: 5 prime UTR variant (1), non-coding transcript variant (1).
Genome position (GRCh38, 1-based): chr8:6,409,330, C>G. VCF-style: chr8-6409330-C-G. GRCh37 (hg19) VCF-style: chr8-6266851-C-G.
Other names: c.74C>G, p.Ser25Ter (NM_001172574.2, NM_001172575.2, NM_001322042.2 and 2 more transcripts); c.68C>G, p.Ser23Ter (NM_001322043.2); c.-29C>G (NM_001322045.2); short protein forms S25*, S23*.
Identifiers: ClinVar variation 3454 (VCV000003454.6), dbSNP rs121434305, ClinGen allele CA340093.

ClinVar aggregate classification (germline): Pathogenic. Review status: criteria provided, single submitter (1 of 4 stars). 3 submissions from 3 submitters: Pathogenic (1). 2 of the submissions do not count toward it. Last evaluated 2023-03-18.

Conditions:
Microcephaly 1, primary, autosomal recessive (MCPH1). Also called: PREMATURE CHROMOSOME CONDENSATION SYNDROME; PCC SYNDROME; PREMATURE CHROMOSOME CONDENSATION WITH MICROCEPHALY AND MENTAL RETARDATION. Identifiers: Orphanet 2512, MedGen C1855081, MONDO:0009617, OMIM 251200.

Allele frequency attached by ClinVar (database versions not stated): TOPMed below 0.00001; ExAC 0.00001; gnomAD exomes 0.00001.
gnomAD v4.1: 11 of 1,614,012 alleles (0.00068%); highest among the groups gnomAD compares: Non-Finnish European, 0.00085%; no homozygotes.

Submissions (3):

Labcorp Genetics (formerly Invitae), Labcorp
Classification: Pathogenic. Last evaluated: 2023-03-18. Review status: criteria provided, single submitter. Criteria: Invitae Variant Classification Sherloc (09022015). Collection method: clinical testing. Allele origin: germline.
Comment: For these reasons, this variant has been classified as Pathogenic. ClinVar contains an entry for this variant (Variation ID: 3454). This premature translational stop signal has been observed in individual(s) with clinical features of MCPH1-related conditions (PMID: 12046007). This variant is present in population databases (rs121434305, gnomAD 0.004%). This sequence change creates a premature translational stop signal (p.Ser25*) in the MCPH1 gene. It is expected to result in an absent or disrupted protein product. Loss-of-function variants in MCPH1 are known to be pathogenic (PMID: 20978018).

OMIM
Classification: Pathogenic for MICROCEPHALY 1, PRIMARY, AUTOSOMAL RECESSIVE. Last evaluated: 2006-07-01. Review status: no assertion criteria provided. Collection method: literature only. Allele origin: germline. Not counted in ClinVar's aggregate classification.

GeneReviews
No classification provided. Condition: Microcephaly 1, primary, autosomal recessive. Review status: no classification provided. Collection method: literature only. Allele origin: unknown. Not counted in ClinVar's aggregate classification.

Literature cited by the submitters: PubMed 12046007 (cited by Labcorp Genetics (formerly Invitae), Labcorp and OMIM); PubMed 20978018 (cited by Labcorp Genetics (formerly Invitae), Labcorp); PubMed 16783362 (cited by OMIM); PubMed 20301772 (cited by GeneReviews); NCBI Bookshelf NBK9587 (cited by GeneReviews).